The following is an entry in ClinVar:

ClinVar aggregate classification (germline): Pathogenic (1 of 4 stars; one submission).

Submission:

ISCA Site 6
Classification: Pathogenic. Last evaluated: 2011-08-12. Review status: criteria provided, single submitter. Criteria: Kaminsky et al. (Genet Med. 2011). Collection method: clinical testing. Allele origin: de novo. Affected: yes. Observed: 1 variant allele.
Comment: Copy number variation identified through the course of routine clinical cytogenomic testing in postnatal populations. Clinical assertions have been curated as described in Kaminsky et al. 2011.

GRCh38/hg38 7q11.23(chr7:73286412-74707848)x1

Genes: ABHD11 (abhydrolase domain containing 11; minus strand), ABHD11-AS1 (ABHD11 antisense RNA 1 (tail to tail); plus strand), BAZ1B (bromodomain adjacent to zinc finger domain 1B; minus strand), BCL7B (BAF chromatin remodeling complex subunit BCL7B; minus strand), BUD23 (BUD23 rRNA methyltransferase and ribosome maturation factor; plus strand) and 127 more. Cytogenetic location: 7q11.23.
Variant type: copy number loss.
Change: copy number 1 (one copy instead of two) of chr7:73,286,412-74,707,848 (1.42 Mb, GRCh38 coordinates, 1-based), cytogenetic band 7q11.23.
Identifiers: ClinVar variation 59319 (VCV000059319.2).